The following is an entry in ClinVar:

ClinVar aggregate classification (germline): Uncertain significance (0 of 4 stars; one submission).

Conditions:
DNMT3A-related disorder. Also called: DNMT3A-related condition; DNMT3A-related disorders.

Submission:

PreventionGenetics, part of Exact Sciences
Classification: Uncertain significance for DNMT3A-related condition. Last evaluated: 2024-06-07. Review status: no assertion criteria provided. Collection method: clinical testing. Allele origin: germline.
Comment: The DNMT3A c.28A>G variant is predicted to result in the amino acid substitution p.Arg10Gly. To our knowledge, this variant has not been reported in the literature or in a large population database, indicating this variant is rare. At this time, the clinical significance of this variant is uncertain due to the absence of conclusive functional and genetic evidence.

NM_022552.5(DNMT3A):c.640-1449A>G

Gene: DNMT3A (DNA methyltransferase 3 alpha; minus strand). Cytogenetic location: 2p23.3.
Variant type: single nucleotide variant.
Coding change: c.640-1449A>G on transcript NM_022552.5 (MANE Select); 1449 bases into the intron before coding-DNA position 640, A replaced by G.
Molecular consequence: intron variant. On other transcripts: missense variant (1).
Genome position (GRCh38, 1-based): chr2:25,249,701, T>C on the plus strand (A>G on the coding strand, the complement: DNMT3A is on the minus strand). VCF-style: chr2-25249701-T-C. GRCh37 (hg19) VCF-style: chr2-25472570-T-C.
Other names: c.28A>G, p.Arg10Gly (NM_153759.3); c.640-1449A>G (NM_175629.2); c.184-1449A>G (NM_001320893.1); c.-30-1449A>G (NM_001375819.1); short protein forms R10G.
Identifiers: ClinVar variation 3344303 (VCV003344303.1).
Genomic context (GRCh38, chr2:25,249,701, plus strand): 5'-GCCTCCATCCTTTCACCGTATCACACTCGTCTTTCAGGCTACGATCCACGCGCCCATTCC[T>C]TCTCACAACCCGCTCCAGGATCCCTACAAAGGAGAATGAAATCCTTGATACTTAGCTCTG-3'